The following is an entry in ClinVar:

NM_002890.3(RASA1):c.119C>T (p.Ala40Val)

Gene: RASA1 (RAS p21 protein activator 1; plus strand). Cytogenetic location: 5q14.3.
Variant type: single nucleotide variant.
Coding change: c.119C>T on transcript NM_002890.3 (MANE Select); coding-DNA position 119, C replaced by T.
Protein change: p.Ala40Val; replaces alanine 40 with valine.
Molecular consequence: missense variant.
Genome position (GRCh38, 1-based): chr5:87,268,570, C>T. VCF-style: chr5-87268570-C-T. GRCh37 (hg19) VCF-style: chr5-86564387-C-T.
Other names: short protein forms A40V.
Identifiers: ClinVar variation 4744067 (VCV004744067.1).

ClinVar aggregate classification (germline): Uncertain significance (1 of 4 stars; one submission).

Conditions:
Capillary malformation-arteriovenous malformation syndrome. Also called: Capillary malformation-arteriovenous malformation. Identifiers: Orphanet 137667, MedGen C1842180, MONDO:0012016.

gnomAD v4.1: 3 of 1,607,446 alleles (0.00019%); highest among the groups gnomAD compares: Non-Finnish European, 0.000085%; no homozygotes.

Submission:

Labcorp Genetics (formerly Invitae), Labcorp
Classification: Uncertain significance for Capillary malformation-arteriovenous malformation syndrome. Last evaluated: 2026-02-04. Review status: criteria provided, single submitter. Criteria: Invitae Variant Classification Sherloc (09022015). Collection method: clinical testing. Allele origin: germline.
Comment: This sequence change replaces alanine, which is neutral and non-polar, with valine, which is neutral and non-polar, at codon 40 of the RASA1 protein (p.Ala40Val). The frequency data for this variant in the population databases is considered unreliable, as metrics indicate poor data quality at this position in the gnomAD database. This variant has not been reported in the literature in individuals affected with RASA1-related conditions. An algorithm developed to predict the effect of missense changes on protein structure and function outputs the following: PolyPhen-2: "Possibly Damaging". The valine amino acid residue is found in multiple mammalian species, which suggests that this missense change does not adversely affect protein function. In summary, the available evidence is currently insufficient to determine the role of this variant in disease. Therefore, it has been classified as a Variant of Uncertain Significance.